The following is an entry in ClinVar:

NM_080473.5(GATA5):c.632A>G (p.Asn211Ser)

Gene: GATA5 (GATA binding protein 5; minus strand). Cytogenetic location: 20q13.33.
Variant type: single nucleotide variant.
Coding change: c.632A>G on transcript NM_080473.5 (MANE Select); coding-DNA position 632, A replaced by G.
Protein change: p.Asn211Ser; replaces asparagine 211 with serine.
Molecular consequence: missense variant.
Genome position (GRCh38, 1-based): chr20:62,473,470, T>C on the plus strand (A>G on the coding strand, the complement: GATA5 is on the minus strand). VCF-style: chr20-62473470-T-C. GRCh37 (hg19) VCF-style: chr20-61048526-T-C.
Other names: short protein forms N211S.
Identifiers: ClinVar variation 3703237 (VCV003703237.2).

ClinVar aggregate classification (germline): Uncertain significance (1 of 4 stars; one submission).

Submission:

Labcorp Genetics (formerly Invitae), Labcorp
Classification: Uncertain significance. Last evaluated: 2025-11-28. Review status: criteria provided, single submitter. Criteria: Invitae Variant Classification Sherloc (09022015). Collection method: clinical testing. Allele origin: germline.
Comment: This sequence change replaces asparagine, which is neutral and polar, with serine, which is neutral and polar, at codon 211 of the GATA5 protein (p.Asn211Ser). This variant is not present in population databases (gnomAD no frequency). This variant has not been reported in the literature in individuals affected with GATA5-related conditions. ClinVar contains an entry for this variant (Variation ID: 3703237). Invitae Evidence Modeling of protein sequence and biophysical properties (such as structural, functional, and spatial information, amino acid conservation, physicochemical variation, residue mobility, and thermodynamic stability) indicates that this missense variant is expected to disrupt GATA5 protein function with a positive predictive value of 80%. In summary, the available evidence is currently insufficient to determine the role of this variant in disease. Therefore, it has been classified as a Variant of Uncertain Significance.